The following is an entry in ClinVar:

ClinVar aggregate classification (germline): Uncertain significance. Review status: criteria provided, multiple submitters, no conflicts (2 of 4 stars). 2 submissions from 2 submitters: Uncertain significance (2). Last evaluated 2023-06-01.

Conditions:
Inborn genetic diseases. Identifiers: MedGen C0950123, MeSH D030342.
ALG6-congenital disorder of glycosylation 1C (CDG1C). Also called: CDG Ic; Congenital disorder of glycosylation, type Ic; CARBOHYDRATE-DEFICIENT GLYCOPROTEIN SYNDROME, TYPE I, WITH DEFICIENT GLYCOSYLATION OF DOLICHOL-LINKED OLIGOSACCHARIDE; CARBOHYDRATE-DEFICIENT GLYCOPROTEIN SYNDROME, TYPE V; Congenital disorder of glycosylation type 1C. Identifiers: Orphanet 79320, MedGen C2930997, MONDO:0011291, OMIM 603147.

Allele frequency attached by ClinVar (database versions not stated): gnomAD exomes below 0.00001 and 0.00001; gnomAD 0.00001; TOPMed 0.00001.

Submissions (2):

Ambry Genetics
Classification: Uncertain significance for Inborn genetic diseases. Last evaluated: 2023-06-01. Review status: criteria provided, single submitter. Criteria: Ambry Variant Classification Scheme 2023. Collection method: clinical testing. Allele origin: germline.

Labcorp Genetics (formerly Invitae), Labcorp
Classification: Uncertain significance for ALG6-congenital disorder of glycosylation 1C. Last evaluated: 2022-07-19. Review status: criteria provided, single submitter. Criteria: Invitae Variant Classification Sherloc (09022015). Collection method: clinical testing. Allele origin: germline.
Comment: This sequence change replaces glycine, which is neutral and non-polar, with serine, which is neutral and polar, at codon 177 of the ALG6 protein (p.Gly177Ser). This variant is present in population databases (no rsID available, gnomAD 0.002%). This variant has not been reported in the literature in individuals affected with ALG6-related conditions. ClinVar contains an entry for this variant (Variation ID: 1352982). Algorithms developed to predict the effect of missense changes on protein structure and function (SIFT, PolyPhen-2, Align-GVGD) all suggest that this variant is likely to be tolerated. In summary, the available evidence is currently insufficient to determine the role of this variant in disease. Therefore, it has been classified as a Variant of Uncertain Significance.

NM_013339.4(ALG6):c.529G>A (p.Gly177Ser)

Gene: ALG6 (ALG6 alpha-1,3-glucosyltransferase; plus strand). Cytogenetic location: 1p31.3.
Variant type: single nucleotide variant.
Coding change: c.529G>A on transcript NM_013339.4 (MANE Select); coding-DNA position 529, G replaced by A.
Protein change: p.Gly177Ser; replaces glycine 177 with serine.
Molecular consequence: missense variant.
Genome position (GRCh38, 1-based): chr1:63,411,180, G>A. VCF-style: chr1-63411180-G-A. GRCh37 (hg19) VCF-style: chr1-63876851-G-A.
Other names: c.529G>A (NM_013339.3); short protein forms G177S.
Identifiers: ClinVar variation 1352982 (VCV001352982.6), dbSNP rs1250215676, ClinGen allele CA340634910.